The following is an entry in ClinVar:

ClinVar aggregate classification (germline): Benign (0 of 4 stars; one submission).

Conditions:
CACNA1I-related disorder. Also called: CACNA1I-related condition.

Allele frequency attached by ClinVar (database versions not stated): gnomAD exomes 0.00024; ExAC 0.00082; gnomAD 0.00271; ESP Exome Variant Server 0.00283; 1000 Genomes Project 0.00300; TOPMed 0.00309; 1000 Genomes Project 30x 0.00328.
gnomAD v4.1: 804 of 1,613,452 alleles (0.05%); highest among the groups gnomAD compares: African/African-American, 0.92%; 4 homozygotes.

Submission:

PreventionGenetics, part of Exact Sciences
Classification: Benign for CACNA1I-related condition. Last evaluated: 2019-08-12. Review status: no assertion criteria provided. Collection method: clinical testing. Allele origin: germline.
Comment: This variant is classified as benign based on ACMG/AMP sequence variant interpretation guidelines (Richards et al. 2015 PMID: 25741868, with internal and published modifications).

NM_021096.4(CACNA1I):c.3852-6C>T

Gene: CACNA1I (calcium voltage-gated channel subunit alpha1 I; plus strand). Cytogenetic location: 22q13.1.
Variant type: single nucleotide variant.
Coding change: c.3852-6C>T on transcript NM_021096.4 (MANE Select); 6 bases into the intron before coding-DNA position 3852, C replaced by T.
Molecular consequence: intron variant.
Genome position (GRCh38, 1-based): chr22:39,665,492, C>T. VCF-style: chr22-39665492-C-T. GRCh37 (hg19) VCF-style: chr22-40061497-C-T.
Other names: c.3747-6C>T (NM_001003406.2).
Identifiers: ClinVar variation 3035682 (VCV003035682.2), dbSNP rs146873478, ClinGen allele CA10244547.
Genomic context (GRCh38, chr22:39,665,492, plus strand): 5'-CTGAGTAGGGGCTGCCTCCTGGCCTGGCCAAGGGATTATGTGTGCCTGGCCTCTCCCTGC[C>T]GTCAGTGTCATCAGCCGGGCGCCGGGCCTGAAGCTGGTGGTGGAGACACTCATCTCCTCC-3'